The following is an entry in ClinVar:

NM_172351.3(CD46):c.69C>T (p.Ala23=)

Genes: CD46 (CD46 molecule; plus strand), LOC129932405 (ATAC-STARR-seq lymphoblastoid active region 2449; plus strand). Cytogenetic location: 1q32.2.
Variant type: single nucleotide variant.
Coding change: c.69C>T on transcript NM_172351.3 (MANE Select); coding-DNA position 69, C replaced by T.
Protein change: p.Ala23=; no amino-acid change (alanine 23 retained).
Molecular consequence: synonymous variant.
Genome position (GRCh38, 1-based): chr1:207,752,281, C>T. VCF-style: chr1-207752281-C-T. GRCh37 (hg19) VCF-style: chr1-207925626-C-T.
Other names: c.69C>T, p.Ala23= (NM_002389.4, NM_153826.4, NM_172350.3 and 8 more transcripts).
Identifiers: ClinVar variation 4291214 (VCV004291214.1).

ClinVar aggregate classification (germline): Likely benign (1 of 4 stars; one submission).

Conditions:
Atypical hemolytic-uremic syndrome. Identifiers: Orphanet 2134, MedGen C2931788, MONDO:0016244.

Submission:

Genomenon, Inc
Classification: Likely benign for Atypical hemolytic-uremic syndrome. Last evaluated: 2025-10-02. Review status: criteria provided, single submitter. Criteria: Genomenon Sequence Variant Interpretation Standards. Collection method: curation. Allele origin: germline. Affected: no.
Comment: CD46 p.Ala23= (c.69C>T) is a synonymous variant that retains Alanine at residue 23. This variant has been reported in the published literature (PMID:36211394). This synonymous variant is not predicted to impact splicing. It is absent or not present at a significant frequency in gnomAD. In conclusion, we classify CD46 p.Ala23= (c.69C>T) as a likely benign variant.

Literature cited by the submitters: PubMed 36211394.